The following is an entry in ClinVar:

ClinVar aggregate classification (germline): Uncertain significance. Review status: criteria provided, multiple submitters, no conflicts (2 of 4 stars). 4 submissions from 4 submitters: Uncertain significance (4). Last evaluated 2026-01-12.

Conditions:
Inborn genetic diseases. Identifiers: MedGen C0950123, MeSH D030342.
Baller-Gerold syndrome (BGS). Also called: CRANIOSYNOSTOSIS WITH RADIAL DEFECTS. Identifiers: Orphanet 1225, MedGen C0265308, MONDO:0009039, OMIM 218600.

Allele frequency attached by ClinVar (database versions not stated): gnomAD 0.00003; ESP Exome Variant Server 0.00008; TOPMed 0.00008.

Submissions (4):

Labcorp Genetics (formerly Invitae), Labcorp
Classification: Uncertain significance for Baller-Gerold syndrome. Last evaluated: 2026-01-12. Review status: criteria provided, single submitter. Criteria: Invitae Variant Classification Sherloc (09022015). Collection method: clinical testing. Allele origin: germline.
Comment: This sequence change replaces arginine, which is basic and polar, with leucine, which is neutral and non-polar, at codon 647 of the RECQL4 protein (p.Arg647Leu). This variant is present in population databases (rs372664774, gnomAD 0.01%). This variant has not been reported in the literature in individuals affected with RECQL4-related conditions. ClinVar contains an entry for this variant (Variation ID: 407009). Invitae Evidence Modeling of protein sequence and biophysical properties (such as structural, functional, and spatial information, amino acid conservation, physicochemical variation, residue mobility, and thermodynamic stability) indicates that this missense variant is not expected to disrupt RECQL4 protein function with a negative predictive value of 80%. In summary, the available evidence is currently insufficient to determine the role of this variant in disease. Therefore, it has been classified as a Variant of Uncertain Significance.

Ambry Genetics
Classification: Uncertain significance for Inborn genetic diseases. Last evaluated: 2024-12-06. Review status: criteria provided, single submitter. Criteria: Ambry Variant Classification Scheme 2023. Collection method: clinical testing. Allele origin: germline.
Comment: The p.R647L variant (also known as c.1940G>T), located in coding exon 12 of the RECQL4 gene, results from a G to T substitution at nucleotide position 1940. The arginine at codon 647 is replaced by leucine, an amino acid with dissimilar properties. This amino acid position is conserved. In addition, this alteration is predicted to be tolerated by in silico analysis. Based on the available evidence, the clinical significance of this variant remains unclear.

Blueprint Genetics
Classification: Uncertain significance. Last evaluated: 2024-09-21. Review status: criteria provided, single submitter. Criteria: ACMG Guidelines, 2015. Collection method: clinical testing. Allele origin: germline.

Revvity Omics, Revvity
Classification: Uncertain significance. Last evaluated: 2022-11-01. Review status: criteria provided, single submitter. Criteria: ACMG Guidelines, 2015. Collection method: clinical testing. Allele origin: germline.

NM_004260.4(RECQL4):c.1940G>T (p.Arg647Leu)

Gene: RECQL4 (RecQ like helicase 4; minus strand). Cytogenetic location: 8q24.3.
Variant type: single nucleotide variant.
Coding change: c.1940G>T on transcript NM_004260.4 (MANE Select); coding-DNA position 1940, G replaced by T.
Protein change: p.Arg647Leu; replaces arginine 647 with leucine.
Molecular consequence: missense variant.
Genome position (GRCh38, 1-based): chr8:144,514,046, C>A on the plus strand (G>T on the coding strand, the complement: RECQL4 is on the minus strand). VCF-style: chr8-144514046-C-A. GRCh37 (hg19) VCF-style: chr8-145739430-C-A.
Other names: short protein forms R647L.
Identifiers: ClinVar variation 407009 (VCV000407009.13), dbSNP rs372664774, ClinGen allele CA4948568.